The following is an entry in ClinVar:

NM_001012339.3(DNAJC21):c.800_801del (p.Glu267fs)

Gene: DNAJC21 (DnaJ heat shock protein family (Hsp40) member C21; plus strand). Cytogenetic location: 5p13.2.
Variant type: Microsatellite.
Coding change: c.800_801del on transcript NM_001012339.3 (MANE Select); coding-DNA positions 800 to 801, 2 bases deleted (AG; older notation c.800_801delAG).
Protein change: p.Glu267fs; shifts the reading frame from glutamic acid 267.
Molecular consequence: frameshift variant.
Genome position (GRCh38, 1-based): chr5:34,938,914-34,938,915, AG deleted; deleting any 2 consecutive bases within chr5:34,938,912-34,938,915 gives the same sequence; the c. name uses the placement nearest the transcript's 3' end. VCF-style (leftmost placement, unchanged base first): chr5-34938911-AAG-A. GRCh37 (hg19) VCF-style: chr5-34939016-AAG-A.
Other names: c.800_801del, p.Glu267fs (NM_001348420.2, NM_194283.4); short protein forms E267fs.
Identifiers: ClinVar variation 1975265 (VCV001975265.5), dbSNP rs767907460, ClinGen allele CA3228582.

ClinVar aggregate classification (germline): Pathogenic (1 of 4 stars; one submission).

Submission:

Labcorp Genetics (formerly Invitae), Labcorp
Classification: Pathogenic. Last evaluated: 2026-01-14. Review status: criteria provided, single submitter. Criteria: Invitae Variant Classification Sherloc (09022015). Collection method: clinical testing. Allele origin: germline.
Comment: This sequence change creates a premature translational stop signal (p.Glu267Alafs*18) in the DNAJC21 gene. It is expected to result in an absent or disrupted protein product. Loss-of-function variants in DNAJC21 are known to be pathogenic (PMID: 27346687, 28062395). This variant is present in population databases (rs767907460, gnomAD 0.01%). This variant has not been reported in the literature in individuals affected with DNAJC21-related conditions. For these reasons, this variant has been classified as Pathogenic.

Literature cited by the submitters: PubMed 27346687; PubMed 28062395.